The following is an entry in ClinVar:

NM_000368.5(TSC1):c.1893A>T (p.Ala631=)

Gene: TSC1 (TSC complex subunit 1; minus strand). Cytogenetic location: 9q34.13.
Variant type: single nucleotide variant.
Coding change: c.1893A>T on transcript NM_000368.5 (MANE Select); coding-DNA position 1893, A replaced by T.
Protein change: p.Ala631=; no amino-acid change (alanine 631 retained).
Molecular consequence: synonymous variant.
Genome position (GRCh38, 1-based): chr9:132,905,685, T>A on the plus strand (A>T on the coding strand, the complement: TSC1 is on the minus strand). VCF-style: chr9-132905685-T-A. GRCh37 (hg19) VCF-style: chr9-135781072-T-A.
Other names: c.1890A>T, p.Ala630= (NM_001162426.2); c.1740A>T, p.Ala580= (NM_001162427.2); c.1530A>T, p.Ala510= (NM_001362177.2).
Identifiers: ClinVar variation 1569781 (VCV001569781.11), dbSNP rs2131815302, ClinGen allele CA467813060.

ClinVar aggregate classification (germline): Benign/Likely benign. Review status: criteria provided, multiple submitters, no conflicts (2 of 4 stars). 3 submissions from 3 submitters: Benign (1); Likely benign (2). Last evaluated 2025-11-17.

Conditions:
Hereditary cancer-predisposing syndrome. Also called: Neoplastic Syndromes, Hereditary; Tumor predisposition; Hereditary Cancer Syndrome; Hereditary neoplastic syndrome. Identifiers: Orphanet 140162, MedGen C0027672, MeSH D009386, MONDO:0015356.
Tuberous sclerosis 1 (TSC1). Identifiers: Orphanet 805, MedGen C1854465, MONDO:0008612, OMIM 191100.

Allele frequency attached by ClinVar (database versions not stated): gnomAD exomes below 0.00001.
gnomAD v4.1: 1 of 1,614,230 alleles (0.000062%); highest among the groups gnomAD compares: Non-Finnish European, 0.000085%; no homozygotes.

Submissions (3):

Labcorp Genetics (formerly Invitae), Labcorp
Classification: Likely benign for Tuberous sclerosis 1. Last evaluated: 2025-11-17. Review status: criteria provided, single submitter. Criteria: Invitae Variant Classification Sherloc (09022015). Collection method: clinical testing. Allele origin: germline.

Myriad Genetics, Inc.
Classification: Benign for Tuberous sclerosis 1. Last evaluated: 2025-04-10. Review status: criteria provided, single submitter. Criteria: Myriad Autosomal Dominant, Autosomal Recessive and X-Linked Classification Criteria (2023). Collection method: clinical testing. Allele origin: unknown.
Comment: This variant is considered benign. This variant is a silent/synonymous amino acid change and it is not expected to impact splicing.

Ambry Genetics
Classification: Likely benign for Hereditary cancer-predisposing syndrome. Last evaluated: 2019-12-18. Review status: criteria provided, single submitter. Criteria: Ambry Variant Classification Scheme 2023. Collection method: clinical testing. Allele origin: germline.